The following is an entry in ClinVar:

ClinVar aggregate classification (germline): Pathogenic. Review status: criteria provided, multiple submitters, no conflicts (2 of 4 stars). 2 submissions from 2 submitters: Pathogenic (2). Last evaluated 2021-11-02.

Conditions:
Fanconi anemia complementation group O. Also called: RAD51C-Related Fanconi Anemia. Identifiers: Orphanet 84, MedGen C3150653, MONDO:0013248, OMIM 613390.
Breast-ovarian cancer, familial, susceptibility to, 3. Also called: RAD51C-Related Breast/Ovarian Cancer. Identifiers: Orphanet 145, MedGen C3150659, MONDO:0013253, OMIM 613399.

Submissions (2):

Labcorp Genetics (formerly Invitae), Labcorp
Classification: Pathogenic for Fanconi anemia complementation group O. Last evaluated: 2021-11-02. Review status: criteria provided, single submitter. Criteria: Invitae Variant Classification Sherloc (09022015). Collection method: clinical testing. Allele origin: germline.
Comment: This sequence change creates a premature translational stop signal (p.Val236Glyfs*16) in the RAD51C gene. It is expected to result in an absent or disrupted protein product. Loss-of-function variants in RAD51C are known to be pathogenic (PMID: 20400964, 21990120, 24800917). This variant is not present in population databases (gnomAD no frequency). This premature translational stop signal has been observed in individual(s) with ovarian cancer (PMID: 22538716). For these reasons, this variant has been classified as Pathogenic.

Hereditary Cancer Group, L’Institut d'Investigació Biomèdica de Bellvitge
Classification: Pathogenic for Breast-ovarian cancer, familial, susceptibility to, 3. Last evaluated: 2021-05-03. Review status: criteria provided, single submitter. Criteria: ACMG Guidelines, 2015. Collection method: curation. Allele origin: germline.

Literature cited by the submitters: PubMed 20400964 (cited by Labcorp Genetics (formerly Invitae), Labcorp); PubMed 21990120 (cited by Labcorp Genetics (formerly Invitae), Labcorp); PubMed 24800917 (cited by Labcorp Genetics (formerly Invitae), Labcorp); PubMed 22538716 (cited by Labcorp Genetics (formerly Invitae), Labcorp and Hereditary Cancer Group, L’Institut d'Investigació Biomèdica de Bellvitge).

NM_058216.3(RAD51C):c.704dup (p.Val236fs)

Genes: RAD51C (RAD51 paralog C; plus strand), LOC129390903 (MPRA-validated peak2919 silencer; plus strand). Cytogenetic location: 17q22.
Variant type: Duplication.
Coding change: c.704dup on transcript NM_058216.3 (MANE Select); coding-DNA position 704, one base duplicated (A; older notation c.704dupA).
Protein change: p.Val236fs; shifts the reading frame from valine 236.
Molecular consequence: frameshift variant. On other transcripts: non-coding transcript variant (1).
Genome position (GRCh38, 1-based): chr17:58,703,328, A duplicated; the last of 3 consecutive A bases (chr17:58,703,326-58,703,328); duplicating any one gives the same sequence. VCF-style (leftmost placement, unchanged base first): chr17-58703325-C-CA. GRCh37 (hg19) VCF-style: chr17-56780686-C-CA.
Other names: c.704dupA (NM_058216.3); short protein forms V236fs.
Identifiers: ClinVar variation 1098905 (VCV001098905.7), dbSNP rs1567794476, ClinGen allele CA2573054500.